The following is an entry in ClinVar:

ClinVar aggregate classification (germline): Pathogenic (1 of 4 stars; one submission).

Conditions:
Mucopolysaccharidosis, MPS-II (MPS2). Also called: Hunter Syndrome; IDURONATE 2-SULFATASE DEFICIENCY; Mucopolysaccharidosis Type II; Mucopolysaccharidosis type 2; Attenuated MPS (subtype; formerly known as mild MPS II); Severe MPS II. Identifiers: Orphanet 580, Orphanet 79388, MedGen C0026705, MONDO:0010674, OMIM 309900.

Submission:

Laboratory of Diagnosis and Therapy of Lysosomal Disorders, University of Padova
Classification: Pathogenic for Mucopolysaccharidosis, MPS-II. Last evaluated: 2024-06-07. Review status: criteria provided, single submitter. Criteria: ACMG Guidelines, 2015. Collection method: literature only. Allele origin: germline. Affected: yes. Observed: 1 variant allele.
Comment: Null variant (PVS1_Strong), Absent from controls (or at low frequency) in gnomAD database (PM2_Moderate), Patient’s phenotype or family history highly specific for the disease (PP4_Strong)

Classification method: ACMG Guidelines [PMID:25741868] with modifications

Literature cited by the submitters: PubMed 32036093.

NM_000202.8(IDS):c.1390dup (p.Ser464fs)

Gene: IDS (iduronate 2-sulfatase; minus strand). Cytogenetic location: Xq28.
Variant type: Duplication.
Coding change: c.1390dup on transcript NM_000202.8 (MANE Select); coding-DNA position 1390, one base duplicated (A; older notation c.1390dupA).
Protein change: p.Ser464fs; shifts the reading frame from serine 464.
Molecular consequence: frameshift variant.
Genome position (GRCh38, 1-based): chrX:149,483,009, T duplicated on the plus strand (A on the coding strand, the reverse complement: IDS is on the minus strand). VCF-style (leftmost placement, unchanged base first): chrX-149483008-C-CT. GRCh37 (hg19) VCF-style: chrX-148564539-C-CT.
Other names: c.1120dup, p.Ser374fs (NM_001166550.4); short protein forms S374fs, S464fs.
Identifiers: ClinVar variation 3256040 (VCV003256040.2).